The following is an entry in ClinVar:

NM_000452.3(SLC10A2):c.547A>C (p.Asn183His)

Gene: SLC10A2 (solute carrier family 10 member 2; minus strand). Cytogenetic location: 13q33.1.
Variant type: single nucleotide variant.
Coding change: c.547A>C on transcript NM_000452.3 (MANE Select); coding-DNA position 547, A replaced by C.
Protein change: p.Asn183His; replaces asparagine 183 with histidine.
Molecular consequence: missense variant.
Genome position (GRCh38, 1-based): chr13:103,052,658, T>G on the plus strand (A>C on the coding strand, the complement: SLC10A2 is on the minus strand). VCF-style: chr13-103052658-T-G. GRCh37 (hg19) VCF-style: chr13-103705008-T-G.
Other names: short protein forms N183H.
Identifiers: ClinVar variation 4739936 (VCV004739936.1).

ClinVar aggregate classification (germline): Uncertain significance (1 of 4 stars; one submission).

Submission:

Labcorp Genetics (formerly Invitae), Labcorp
Classification: Uncertain significance. Last evaluated: 2025-04-23. Review status: criteria provided, single submitter. Criteria: Invitae Variant Classification Sherloc (09022015). Collection method: clinical testing. Allele origin: germline.
Comment: This sequence change replaces asparagine, which is neutral and polar, with histidine, which is basic and polar, at codon 183 of the SLC10A2 protein (p.Asn183His). This variant is present in population databases (rs777528270, gnomAD 0.008%). This variant has not been reported in the literature in individuals affected with SLC10A2-related conditions. Invitae Evidence Modeling of protein sequence and biophysical properties (such as structural, functional, and spatial information, amino acid conservation, physicochemical variation, residue mobility, and thermodynamic stability) indicates that this missense variant is not expected to disrupt SLC10A2 protein function with a negative predictive value of 80%. In summary, the available evidence is currently insufficient to determine the role of this variant in disease. Therefore, it has been classified as a Variant of Uncertain Significance.